The following is an entry in ClinVar:

ClinVar aggregate classification (germline): Likely benign (0 of 4 stars; one submission).

Conditions:
CREBBP-related disorder. Also called: CREBBP-related condition; CREBBP-related disorders.

gnomAD v4.1: 7 of 1,613,660 alleles (0.00043%); highest among the groups gnomAD compares: South Asian, 0.0066%; no homozygotes.

Submission:

PreventionGenetics, part of Exact Sciences
Classification: Likely benign for CREBBP-related condition. Last evaluated: 2024-08-07. Review status: no assertion criteria provided. Collection method: clinical testing. Allele origin: germline.
Comment: This variant is classified as likely benign based on ACMG/AMP sequence variant interpretation guidelines (Richards et al. 2015 PMID: 25741868, with internal and published modifications).

NM_004380.3(CREBBP):c.5151C>G (p.Arg1717=)

Gene: CREBBP (CREB binding lysine acetyltransferase; minus strand). Cytogenetic location: 16p13.3.
Variant type: single nucleotide variant.
Coding change: c.5151C>G on transcript NM_004380.3 (MANE Select); coding-DNA position 5151, C replaced by G.
Protein change: p.Arg1717=; no amino-acid change (arginine 1717 retained).
Molecular consequence: synonymous variant.
Genome position (GRCh38, 1-based): chr16:3,731,213, G>C on the plus strand (C>G on the coding strand, the complement: CREBBP is on the minus strand). VCF-style: chr16-3731213-G-C. GRCh37 (hg19) VCF-style: chr16-3781214-G-C.
Other names: c.5037C>G, p.Arg1679= (NM_001079846.1).
Identifiers: ClinVar variation 3347821 (VCV003347821.1).